The following is an entry in ClinVar:

ClinVar aggregate classification (germline): Uncertain significance (1 of 4 stars; one submission).

Conditions:
Primary ciliary dyskinesia. Also called: Ciliary dyskinesia. Identifiers: Orphanet 244, MedGen C0008780, MONDO:0016575, HP:0012265.

Allele frequency attached by ClinVar (database versions not stated): gnomAD exomes 0.00001.
gnomAD v4.1: 3 of 1,614,218 alleles (0.00019%); highest among the groups gnomAD compares: Middle Eastern, 0.016%; no homozygotes.

Submission:

Labcorp Genetics (formerly Invitae), Labcorp
Classification: Uncertain significance for Primary ciliary dyskinesia. Last evaluated: 2021-08-12. Review status: criteria provided, single submitter. Criteria: Invitae Variant Classification Sherloc (09022015). Collection method: clinical testing. Allele origin: germline.
Comment: This sequence change replaces phenylalanine with serine at codon 556 of the DNAI1 protein (p.Phe556Ser). The phenylalanine residue is highly conserved and there is a large physicochemical difference between phenylalanine and serine. This variant is not present in population databases (ExAC no frequency). This missense change has been observed in individual(s) with primary ciliary dyskinesia (Invitae). Algorithms developed to predict the effect of missense changes on protein structure and function are either unavailable or do not agree on the potential impact of this missense change (SIFT: "Deleterious"; PolyPhen-2: "Probably Damaging"; Align-GVGD: "Class C0"). In summary, the available evidence is currently insufficient to determine the role of this variant in disease. Therefore, it has been classified as a Variant of Uncertain Significance.

NM_012144.4(DNAI1):c.1667T>C (p.Phe556Ser)

Gene: DNAI1 (dynein axonemal intermediate chain 1; plus strand). Cytogenetic location: 9p13.3.
Variant type: single nucleotide variant.
Coding change: c.1667T>C on transcript NM_012144.4 (MANE Select); coding-DNA position 1667, T replaced by C.
Protein change: p.Phe556Ser; replaces phenylalanine 556 with serine.
Molecular consequence: missense variant.
Genome position (GRCh38, 1-based): chr9:34,514,491, T>C. VCF-style: chr9-34514491-T-C. GRCh37 (hg19) VCF-style: chr9-34514489-T-C.
Other names: c.1679T>C, p.Phe560Ser (NM_001281428.2); short protein forms F556S, F560S.
Identifiers: ClinVar variation 454830 (VCV000454830.6), dbSNP rs1554691490, ClinGen allele CA373263651.